The following is an entry in ClinVar:

ClinVar aggregate classification (germline): Conflicting classifications of pathogenicity. Review status: criteria provided, conflicting classifications (1 of 4 stars). 12 submissions from 11 submitters: Uncertain significance (2); Likely benign (7). 3 of the submissions do not count toward it. Last evaluated 2026-01-06.

Conditions:
Catecholaminergic polymorphic ventricular tachycardia 1. Also called: VENTRICULAR TACHYCARDIA, CATECHOLAMINERGIC POLYMORPHIC, 1, WITH OR WITHOUT ATRIAL DYSFUNCTION AND/OR DILATED CARDIOMYOPATHY; RYR2-Related Catecholaminergic Polymorphic Ventricular Tachycardia; VENTRICULAR TACHYCARDIA, STRESS-INDUCED POLYMORPHIC 1. Identifiers: Orphanet 3286, MedGen C1631597, MONDO:0011484, OMIM 604772.
Catecholaminergic polymorphic ventricular tachycardia (CVPT). Also called: Catecholamine-induced polymorphic ventricular tachycardia. Identifiers: Orphanet 3286, MedGen C5574922, MONDO:0017990.
Cardiomyopathy (CMYO). Also called: Cardiomyopathies. Identifiers: Orphanet 167848, MedGen C0878544, MONDO:0004994, HP:0001638. Inheritance: Various modes of inheritance.
Cardiovascular phenotype. Identifiers: MedGen CN230736.
Arrhythmogenic right ventricular dysplasia 2. Identifiers: MedGen C1832931.

Allele frequency attached by ClinVar (database versions not stated): TOPMed 0.00003; gnomAD exomes 0.00004 and 0.00009; ExAC 0.00006; gnomAD 0.00007.
gnomAD v4.1: 139 of 1,611,024 alleles (0.0086%); highest among the groups gnomAD compares: Non-Finnish European, 0.012%; 1 homozygote.

Submissions (12):

Labcorp Genetics (formerly Invitae), Labcorp
Classification: Likely benign for Catecholaminergic polymorphic ventricular tachycardia 1. Last evaluated: 2026-01-06. Review status: criteria provided, single submitter. Criteria: Invitae Variant Classification Sherloc (09022015). Collection method: clinical testing. Allele origin: germline.

Blueprint Genetics
Classification: Likely benign. Last evaluated: 2024-10-23. Review status: criteria provided, single submitter. Criteria: ACMG Guidelines, 2015. Collection method: clinical testing. Allele origin: germline.

All of Us Research Program, National Institutes of Health
Classification: Likely benign for Catecholaminergic polymorphic ventricular tachycardia. Last evaluated: 2023-12-13. Review status: criteria provided, single submitter. Criteria: ACMG Guidelines, 2015. Collection method: clinical testing. Allele origin: germline. Inheritance: Autosomal dominant inheritance. Observed: 16 variant alleles, 16 heterozygotes.
Comment: This study involves interpretation of variants in research participants for the purpose of population health screening. Participant phenotype was not available at the time of variant classification. Additional details can be found in publication PMID: 35346344, PMCID: PMC8962531

GeneDx
Classification: Likely benign. Last evaluated: 2021-04-28. Review status: criteria provided, single submitter. Criteria: GeneDx Variant Classification Process June 2021. Collection method: clinical testing. Allele origin: germline. Affected: yes.

Color Diagnostics, LLC DBA Color Health
Classification: Likely benign for Cardiomyopathy. Last evaluated: 2019-04-28. Review status: criteria provided, single submitter. Criteria: ACMG Guidelines, 2015. Collection method: clinical testing. Allele origin: germline.

ARUP Laboratories, Molecular Genetics and Genomics, ARUP Laboratories
Classification: Likely benign. Last evaluated: 2019-02-08. Review status: criteria provided, single submitter. Criteria: ARUP Molecular Germline Variant Investigation Process. Collection method: clinical testing. Allele origin: germline.

Illumina Laboratory Services, Illumina
Classification: Uncertain significance for Catecholaminergic polymorphic ventricular tachycardia 1. Last evaluated: 2018-01-13. Review status: criteria provided, single submitter. Criteria: ICSL Variant Classification Criteria 13 December 2019. Collection method: clinical testing. Allele origin: germline.

Illumina Laboratory Services, Illumina
Classification: Uncertain significance for Catecholaminergic polymorphic ventricular tachycardia 1. Last evaluated: 2018-01-13. Review status: criteria provided, single submitter. Criteria: ICSL Variant Classification Criteria 13 December 2019. Collection method: clinical testing. Allele origin: germline.

Ambry Genetics
Classification: Likely benign for Cardiovascular phenotype. Last evaluated: 2016-08-05. Review status: criteria provided, single submitter. Criteria: Ambry Variant Classification Scheme 2023. Collection method: clinical testing. Allele origin: germline.

Clinical Genetics DNA and cytogenetics Diagnostics Lab, Erasmus MC, Erasmus Medical Center
Classification: Likely benign. Review status: no assertion criteria provided. Collection method: clinical testing. Allele origin: germline. Affected: yes. Study: VKGL Data-share Consensus. Not counted in ClinVar's aggregate classification.

Clinical Genetics, Academic Medical Center
Classification: Benign. Review status: no assertion criteria provided. Collection method: clinical testing. Allele origin: germline. Affected: yes. Study: VKGL Data-share Consensus. Not counted in ClinVar's aggregate classification.

Genome Diagnostics Laboratory, University Medical Center Utrecht
Classification: Likely benign. Review status: no assertion criteria provided. Collection method: clinical testing. Allele origin: germline. Affected: yes. Study: VKGL Data-share Consensus. Not counted in ClinVar's aggregate classification.

NM_001035.3(RYR2):c.11766G>A (p.Glu3922=)

Gene: RYR2 (ryanodine receptor 2; plus strand). Cytogenetic location: 1q43.
Variant type: single nucleotide variant.
Coding change: c.11766G>A on transcript NM_001035.3 (MANE Select); coding-DNA position 11766, G replaced by A.
Protein change: p.Glu3922=; no amino-acid change (glutamic acid 3922 retained).
Molecular consequence: synonymous variant.
Genome position (GRCh38, 1-based): chr1:237,773,639, G>A. VCF-style: chr1-237773639-G-A. GRCh37 (hg19) VCF-style: chr1-237936939-G-A.
Other names: c.11766G>A, p.Glu3922= (LRG_402t1).
Identifiers: ClinVar variation 296756 (VCV000296756.33), dbSNP rs774625105, ClinGen allele CA085044.